The following is an entry in ClinVar:

NM_004329.3(BMPR1A):c.169C>A (p.Pro57Thr)

Gene: BMPR1A (bone morphogenetic protein receptor type 1A; plus strand). Cytogenetic location: 10q23.2.
Variant type: single nucleotide variant.
Coding change: c.169C>A on transcript NM_004329.3 (MANE Select); coding-DNA position 169, C replaced by A.
Protein change: p.Pro57Thr; replaces proline 57 with threonine.
Molecular consequence: missense variant.
Genome position (GRCh38, 1-based): chr10:86,890,163, C>A. VCF-style: chr10-86890163-C-A. GRCh37 (hg19) VCF-style: chr10-88649920-C-A.
Other names: c.169C>A, p.Pro57Thr (NM_001406559.1, NM_001406560.1, NM_001406561.1 and 23 more transcripts); c.85C>A, p.Pro29Thr (NM_001406584.1, NM_001406585.1, NM_001406586.1 and 2 more transcripts); short protein forms P29T, P57T.
Identifiers: ClinVar variation 2166224 (VCV002166224.4), dbSNP rs2133395751, ClinGen allele CA377446829.
Genomic context (GRCh38, chr10:86,890,163, plus strand): 5'-TCAGACTCCGACCAGAAAAAGTCAGAAAATGGAGTAACCTTAGCACCAGAGGATACCTTG[C>A]CTTTTTTAAAGTGCTATTGCTCAGGGCACTGTCCAGATGATGCTATTAATAACACATGCA-3'
Protein context (NP_004320.2, residues 47-67): GVTLAPEDTL[Pro57Thr]FLKCYCSGHC

ClinVar aggregate classification (germline): Uncertain significance (1 of 4 stars; one submission).

Conditions:
Juvenile polyposis syndrome (JPS). Identifiers: Orphanet 2929, MedGen C0345893, MONDO:0017380, OMIM 174900.

Submission:

Labcorp Genetics (formerly Invitae), Labcorp
Classification: Uncertain significance for Juvenile polyposis syndrome. Last evaluated: 2024-04-08. Review status: criteria provided, single submitter. Criteria: Invitae Variant Classification Sherloc (09022015). Collection method: clinical testing. Allele origin: germline.
Comment: This sequence change replaces proline, which is neutral and non-polar, with threonine, which is neutral and polar, at codon 57 of the BMPR1A protein (p.Pro57Thr). This variant is not present in population databases (gnomAD no frequency). This variant has not been reported in the literature in individuals affected with BMPR1A-related conditions. ClinVar contains an entry for this variant (Variation ID: 2166224). Advanced modeling of protein sequence and biophysical properties (such as structural, functional, and spatial information, amino acid conservation, physicochemical variation, residue mobility, and thermodynamic stability) has been performed at Invitae for this missense variant, however the output from this modeling did not meet the statistical confidence thresholds required to predict the impact of this variant on BMPR1A protein function. In summary, the available evidence is currently insufficient to determine the role of this variant in disease. Therefore, it has been classified as a Variant of Uncertain Significance.